The following is an entry in ClinVar:

ClinVar aggregate classification (germline): Uncertain significance. Review status: criteria provided, multiple submitters, no conflicts (2 of 4 stars). 2 submissions from 2 submitters: Uncertain significance (2). Last evaluated 2023-09-26.

Conditions:
Early-infantile DEE. Also called: Early infantile epileptic encephalopathy with suppression bursts; Early infantile epileptic encephalopathy; Ohtahara syndrome. Identifiers: Orphanet 1934, MedGen C0393706, MONDO:0800491.

Allele frequency attached by ClinVar (database versions not stated): gnomAD exomes below 0.00001.
gnomAD v4.1: 5 of 1,608,252 alleles (0.00031%); highest among the groups gnomAD compares: Non-Finnish European, 0.00042%; no homozygotes.

Submissions (2):

GeneDx
Classification: Uncertain significance. Last evaluated: 2023-09-26. Review status: criteria provided, single submitter. Criteria: GeneDx Variant Classification Process June 2021. Collection method: clinical testing. Allele origin: germline. Affected: yes.
Comment: This substitution is predicted to be within the cytoplasmic loop between the second and third homologous domains; Not observed at significant frequency in large population cohorts (gnomAD); Missense variants in this gene are often considered pathogenic (HGMD); In silico analysis supports that this missense variant has a deleterious effect on protein structure/function; Has not been previously published as pathogenic or benign to our knowledge

Labcorp Genetics (formerly Invitae), Labcorp
Classification: Uncertain significance for Early-infantile DEE. Last evaluated: 2023-07-09. Review status: criteria provided, single submitter. Criteria: Invitae Variant Classification Sherloc (09022015). Collection method: clinical testing. Allele origin: germline.
Comment: In summary, the available evidence is currently insufficient to determine the role of this variant in disease. Therefore, it has been classified as a Variant of Uncertain Significance. Advanced modeling of protein sequence and biophysical properties (such as structural, functional, and spatial information, amino acid conservation, physicochemical variation, residue mobility, and thermodynamic stability) performed at Invitae indicates that this missense variant is not expected to disrupt SCN8A protein function. ClinVar contains an entry for this variant (Variation ID: 2069804). This variant has not been reported in the literature in individuals affected with SCN8A-related conditions. This variant is not present in population databases (gnomAD no frequency). This sequence change replaces isoleucine, which is neutral and non-polar, with threonine, which is neutral and polar, at codon 1139 of the SCN8A protein (p.Ile1139Thr).

NM_001330260.2(SCN8A):c.3416T>C (p.Ile1139Thr)

Gene: SCN8A (sodium voltage-gated channel alpha subunit 8; plus strand). Cytogenetic location: 12q13.13.
Variant type: single nucleotide variant.
Coding change: c.3416T>C on transcript NM_001330260.2 (MANE Select); coding-DNA position 3416, T replaced by C.
Protein change: p.Ile1139Thr; replaces isoleucine 1139 with threonine.
Molecular consequence: missense variant.
Genome position (GRCh38, 1-based): chr12:51,769,911, T>C. VCF-style: chr12-51769911-T-C. GRCh37 (hg19) VCF-style: chr12-52163695-T-C.
Other names: c.3416T>C, p.Ile1139Thr (NM_001177984.3, NM_001369788.1, NM_014191.4); c.3416T>C (NM_014191.3); short protein forms I1139T.
Identifiers: ClinVar variation 2069804 (VCV002069804.5), dbSNP rs1394459360, ClinGen allele CA384895259.
Genomic context (GRCh38, chr12:51,769,911, plus strand): 5'-TTTCCTTGCGTGTCTAGAAACTAGATGACACCAGCTCCTCTGAAGGAAGCACCATTGATA[T>C]CAAACCAGAAGTAGAAGAGGTCCCTGTGGAACAGCCTGAGGAATACTTGGATCCAGATGC-3'
Protein context (NP_001317189.1, residues 1129-1149): TSSSEGSTID[Ile1139Thr]KPEVEEVPVE